The following is an entry in ClinVar:

NM_032242.4(PLXNA1):c.1173G>A (p.Lys391=)

Gene: PLXNA1 (plexin A1; plus strand). Cytogenetic location: 3q21.3.
Variant type: single nucleotide variant.
Coding change: c.1173G>A on transcript NM_032242.4 (MANE Select); coding-DNA position 1173, G replaced by A.
Protein change: p.Lys391=; no amino-acid change (lysine 391 retained).
Molecular consequence: synonymous variant.
Genome position (GRCh38, 1-based): chr3:126,989,766, G>A. VCF-style: chr3-126989766-G-A. GRCh37 (hg19) VCF-style: chr3-126708609-G-A.
Identifiers: ClinVar variation 4995196 (VCV004995196.1).

ClinVar aggregate classification (germline): Likely benign (1 of 4 stars; one submission).

Conditions:
PLXNA1-related disorder. Also called: PLXNA1-related condition.

Submission:

PreventionGenetics, part of Exact Sciences
Classification: Likely benign for PLXNA1-related condition. Last evaluated: 2026-09-15. Review status: criteria provided, single submitter. Criteria: ACMG Guidelines, 2015. Collection method: clinical testing. Allele origin: germline.
Comment: This variant is classified as likely benign based on ACMG/AMP sequence variant interpretation guidelines (Richards et al. 2015 PMID: 25741868, with internal and published modifications).